The following is an entry in ClinVar:

ClinVar aggregate classification (germline): Likely pathogenic (1 of 4 stars; one submission).

Conditions:
Dentinogenesis imperfecta type 2 (DGI1). Also called: CAPDEPONT TEETH; OPALESCENT DENTIN; OPALESCENT TEETH WITHOUT OSTEOGENESIS IMPERFECTA; Dentinogenesis imperfecta without osteogenesis imperfecta; Hereditary Opalescent Dentin; Dentinogenesis imperfecta - Shield's type II. Identifiers: Orphanet 166260, MedGen C2973527, MONDO:0007441, OMIM 125490. Disease mechanism: loss of function.

Submission:

Reference Center For Rare Oral And Dental Diseases, CRMR O-Rares, Hôpitaux Universitaires De Strasbourg
Classification: Likely pathogenic for Dentinogenesis imperfecta type 2. Last evaluated: 2025-09-03. Review status: criteria provided, single submitter. Criteria: ACMG Guidelines, 2015. Collection method: clinical testing. Allele origin: unknown. Inheritance: Autosomal dominant inheritance. Affected: yes.
Comment: PVS1, PM2 (4)

NM_014208.3(DSPP):c.3050del (p.Asn1017fs)

Genes: DMP1-AS1 (DMP1 and DSPP antisense RNA 1; minus strand), DSPP (dentin sialophosphoprotein; plus strand). Cytogenetic location: 4q22.1.
Variant type: Deletion.
Coding change: c.3050del on transcript NM_014208.3 (MANE Select); coding-DNA position 3050, one base deleted (A; older notation c.3050delA).
Protein change: p.Asn1017fs; shifts the reading frame from asparagine 1017.
Molecular consequence: frameshift variant.
Genome position (GRCh38, 1-based): chr4:87,615,712, A deleted; the last of 2 consecutive A bases (chr4:87,615,711-87,615,712); deleting either gives the same sequence. VCF-style (leftmost placement, unchanged base first): chr4-87615710-TA-T. GRCh37 (hg19) VCF-style: chr4-88536862-TA-T.
Other names: short protein forms N1017fs.
Identifiers: ClinVar variation 4082228 (VCV004082228.1).